The following is an entry in ClinVar:

ClinVar aggregate classification (germline): Uncertain significance (1 of 4 stars; one submission).

Submission:

GeneDx
Classification: Uncertain significance. Last evaluated: 2024-10-09. Review status: criteria provided, single submitter. Criteria: GeneDx Variant Classification Process June 2021. Collection method: clinical testing. Allele origin: germline.
Comment: Not observed at significant frequency in large population cohorts (gnomAD); In silico analysis supports that this missense variant has a deleterious effect on protein structure/function; Has not been previously published as pathogenic or benign to our knowledge

NM_000812.4(GABRB1):c.866T>C (p.Ile289Thr)

Gene: GABRB1 (gamma-aminobutyric acid type A receptor subunit beta1; plus strand). Cytogenetic location: 4p12.
Variant type: single nucleotide variant.
Coding change: c.866T>C on transcript NM_000812.4 (MANE Select); coding-DNA position 866, T replaced by C.
Protein change: p.Ile289Thr; replaces isoleucine 289 with threonine.
Molecular consequence: missense variant.
Genome position (GRCh38, 1-based): chr4:47,406,712, T>C. VCF-style: chr4-47406712-T-C. GRCh37 (hg19) VCF-style: chr4-47408729-T-C.
Other names: short protein forms I289T.
Identifiers: ClinVar variation 2580117 (VCV002580117.2), dbSNP rs780797468, ClinGen allele CA356811270.
Genomic context (GRCh38, chr4:47,406,712, plus strand): 5'-TCAGCTAAGTGTTGTCTTTCTCTTTCACAGGAATCACGACAGTGCTTACAATGACAACCA[T>C]CAGCACCCACCTCAGGGAGACCCTGCCAAAGATCCCTTATGTCAAAGCGATTGATATTTA-3'
Protein context (NP_000803.2, residues 279-299): GITTVLTMTT[Ile289Thr]STHLRETLPK